The following is an entry in ClinVar:

ClinVar aggregate classification (germline): Uncertain significance. Review status: criteria provided, multiple submitters, no conflicts (2 of 4 stars). 2 submissions from 2 submitters: Uncertain significance (2). Last evaluated 2026-03-02.

Conditions:
RP1L1-related disorder. Also called: RP1L1-related condition.
Inborn genetic diseases. Identifiers: MedGen C0950123, MeSH D030342.

gnomAD v4.1: 22 of 1,611,650 alleles (0.0014%); highest among the groups gnomAD compares: African/African-American, 0.029%; no homozygotes.

Submissions (2):

PreventionGenetics, part of Exact Sciences
Classification: Uncertain significance for RP1L1-related condition. Last evaluated: 2026-03-02. Review status: criteria provided, single submitter. Criteria: ACMG Guidelines, 2015. Collection method: clinical testing. Allele origin: germline.
Comment: The RP1L1 c.4613T>G variant is predicted to result in the amino acid substitution p.Val1538Gly. To our knowledge, this variant has not been reported in the literature. This variant is reported in 0.030% of alleles in individuals of African descent in gnomAD. At this time, the clinical significance of this variant is uncertain due to the absence of conclusive functional and genetic evidence.

Ambry Genetics
Classification: Uncertain significance for Inborn genetic diseases. Last evaluated: 2024-04-04. Review status: criteria provided, single submitter. Criteria: Ambry Variant Classification Scheme 2023. Collection method: clinical testing. Allele origin: germline.

NM_178857.6(RP1L1):c.4613T>G (p.Val1538Gly)

Gene: RP1L1 (RP1 like 1). Cytogenetic location: 8p23.1.
Variant type: single nucleotide variant.
Coding change: c.4613T>G on transcript NM_178857.6 (MANE Select); coding-DNA position 4613, T replaced by G.
Protein change: p.Val1538Gly; replaces valine 1538 with glycine.
Molecular consequence: missense variant.
Genome position (GRCh38, 1-based): chr8:10,609,485, A>C on the plus strand (T>G on the coding strand, the complement: RP1L1 is on the minus strand). VCF-style: chr8-10609485-A-C. GRCh37 (hg19) VCF-style: chr8-10466995-A-C.
Other names: short protein forms V1538G.
Identifiers: ClinVar variation 3315073 (VCV003315073.2).